The following is an entry in ClinVar:

NM_004991.4(MECOM):c.1433G>C (p.Gly478Ala)

Gene: MECOM (MDS1 and EVI1 complex locus; minus strand). Cytogenetic location: 3q26.2.
Variant type: single nucleotide variant.
Coding change: c.1433G>C on transcript NM_004991.4 (MANE Select); coding-DNA position 1433, G replaced by C.
Protein change: p.Gly478Ala; replaces glycine 478 with alanine.
Molecular consequence: missense variant. On other transcripts: intron variant (2).
Genome position (GRCh38, 1-based): chr3:169,116,439, C>G on the plus strand (G>C on the coding strand, the complement: MECOM is on the minus strand). VCF-style: chr3-169116439-C-G. GRCh37 (hg19) VCF-style: chr3-168834227-C-G.
Other names: c.1064G>C, p.Gly355Ala (NM_001105077.4); c.869G>C, p.Gly290Ala (NM_001105078.4, NM_001164000.2, NM_001205194.2 and 4 more transcripts); c.872G>C, p.Gly291Ala (NM_001163999.2, NM_001366467.2, NM_001366468.2 and 1 more transcripts); c.1433G>C, p.Gly478Ala (NM_001366466.2); c.1133-672G>C (NM_001366473.2); c.569-672G>C (NM_001366474.2); short protein forms G290A, G478A, G355A, G291A.
Identifiers: ClinVar variation 3871628 (VCV003871628.1).

ClinVar aggregate classification (germline): Uncertain significance (1 of 4 stars; one submission).

Conditions:
Inborn genetic diseases. Identifiers: MedGen C0950123, MeSH D030342.

gnomAD v4.1: 8 of 1,614,136 alleles (0.0005%); highest among the groups gnomAD compares: Non-Finnish European, 0.00068%; no homozygotes.

Submission:

Ambry Genetics
Classification: Uncertain significance for Inborn genetic diseases. Last evaluated: 2024-12-19. Review status: criteria provided, single submitter. Criteria: Ambry Variant Classification Scheme 2023. Collection method: clinical testing. Allele origin: germline.
Comment: The p.G478A variant (also known as c.1433G>C), located in coding exon 8 of the MECOM gene, results from a G to C substitution at nucleotide position 1433. The glycine at codon 478 is replaced by alanine, an amino acid with similar properties. This amino acid position is conserved. In addition, the in silico prediction for this alteration is inconclusive. Based on the available evidence, the clinical significance of this variant remains unclear.